The following is an entry in ClinVar:

NM_001267550.2(TTN):c.105260C>T (p.Thr35087Met)

Genes: TTN (titin; minus strand), TTN-AS1 (TTN antisense RNA 1; plus strand). Cytogenetic location: 2q31.2.
Variant type: single nucleotide variant.
Coding change: c.105260C>T on transcript NM_001267550.2 (MANE Select); coding-DNA position 105260, C replaced by T.
Protein change: p.Thr35087Met; replaces threonine 35087 with methionine.
Molecular consequence: missense variant.
Genome position (GRCh38, 1-based): chr2:178,531,355, G>A on the plus strand (C>T on the coding strand, the complement: TTN is on the minus strand). VCF-style: chr2-178531355-G-A. GRCh37 (hg19) VCF-style: chr2-179396082-G-A.
Other names: c.97556C>T, p.Thr32519Met (NM_133378.4); c.100337C>T, p.Thr33446Met (NM_001256850.1); c.78065C>T, p.Thr26022Met (NM_003319.4); c.78440C>T, p.Thr26147Met (NM_133432.3); c.78641C>T, p.Thr26214Met (NM_133437.4); short protein forms T35087M, T32519M, T26214M, T26147M, T33446M, T26022M.
Identifiers: ClinVar variation 47688 (VCV000047688.22), dbSNP rs397517795, ClinGen allele CA344687.

ClinVar aggregate classification (germline): Conflicting classifications of pathogenicity. Review status: criteria provided, conflicting classifications (1 of 4 stars). 8 submissions from 8 submitters: Uncertain significance (3); Likely benign (4). 1 of the submissions does not count toward it. Last evaluated 2025-11-01.

Conditions:
TTN-related disorder. Also called: TTN-related condition; TTN-related disease; TTN-related disorders.
Cardiovascular phenotype. Identifiers: MedGen CN230736.
Dilated cardiomyopathy 1G (CMD1G). Identifiers: Orphanet 154, MedGen C1858763, MONDO:0011400, OMIM 604145.
Autosomal recessive limb-girdle muscular dystrophy type 2J (LGMDR10). Also called: Limb-girdle muscular dystrophy, type 2J; MUSCULAR DYSTROPHY, LIMB-GIRDLE, AUTOSOMAL RECESSIVE 10. Identifiers: Orphanet 140922, MedGen C1837342, MONDO:0012127, OMIM 608807.

Allele frequency attached by ClinVar (database versions not stated): TOPMed 0.00006; gnomAD 0.00007; ExAC 0.00011.
gnomAD v4.1: 69 of 1,613,980 alleles (0.0043%); highest among the groups gnomAD compares: East Asian, 0.022%; 1 homozygote.

Submissions (8):

CeGaT Center for Human Genetics Tuebingen
Classification: Likely benign. Last evaluated: 2025-11-01. Review status: criteria provided, single submitter. Criteria: CeGaT Center For Human Genetics Tuebingen Variant Classification Criteria Version 2. Collection method: clinical testing. Allele origin: germline. Affected: yes. Observed: 1 variant allele.
Comment: TTN: BP4

Molecular Diagnostic Laboratory for Inherited Cardiovascular Disease, Montreal Heart Institute
Classification: Likely benign. Last evaluated: 2025-04-09. Review status: criteria provided, single submitter. Criteria: ACMG Guidelines, 2015. Collection method: clinical testing. Allele origin: germline. Affected: no.

Blueprint Genetics
Classification: Likely benign. Last evaluated: 2024-07-22. Review status: criteria provided, single submitter. Criteria: ACMG Guidelines, 2015. Collection method: clinical testing. Allele origin: germline.

Revvity Omics, Revvity
Classification: Uncertain significance. Last evaluated: 2020-10-02. Review status: criteria provided, single submitter. Criteria: ACMG Guidelines, 2015. Collection method: clinical testing. Allele origin: germline.

Ambry Genetics
Classification: Likely benign for Cardiovascular phenotype. Last evaluated: 2020-06-08. Review status: criteria provided, single submitter. Criteria: Ambry Variant Classification Scheme 2023. Collection method: clinical testing. Allele origin: germline.

Labcorp Genetics (formerly Invitae), Labcorp
Classification: Uncertain significance for Dilated cardiomyopathy 1G; Autosomal recessive limb-girdle muscular dystrophy type 2J. Last evaluated: 2017-04-27. Review status: criteria provided, single submitter. Criteria: Invitae Variant Classification Sherloc (09022015). Collection method: clinical testing. Allele origin: germline.

Laboratory for Molecular Medicine, Mass General Brigham Personalized Medicine
Classification: Uncertain significance. Last evaluated: 2014-06-30. Review status: criteria provided, single submitter. Criteria: LMM Criteria. Collection method: clinical testing. Allele origin: germline. Observed: 2 variant alleles.
Comment: It was absent from large population studies. Computational p rediction tools and conservation analysis do not provide strong support for or a gainst an impact to the protein, though 1 mammal (star-nosed mole) has a methion ine (Met) at this position which raises the possibility that this change may be tolerated. In summary, the clinical significance of the Thr32519Met variant is u ncertain.

PreventionGenetics, part of Exact Sciences
Classification: Uncertain significance for TTN-related condition. Last evaluated: 2023-12-13. Review status: no assertion criteria provided. Collection method: clinical testing. Allele origin: germline. Not counted in ClinVar's aggregate classification.
Comment: The TTN c.105260C>T variant is predicted to result in the amino acid substitution p.Thr35087Met. This variant was reported as a variant of uncertain significance in an individual with dilated cardiomyopathy (described as p.Thr32519Met with an alternate transcript NM_133378 in Table S3, Pugh et al. 2014. PubMed ID: 24503780). This variant is reported in 0.068% of alleles in individuals of Ashkenazi Jewish descent in gnomAD. Although we suspect that this variant may be benign, at this time, the clinical significance of this variant is uncertain due to the absence of conclusive functional and genetic evidence.